The following is an entry in ClinVar:

ClinVar aggregate classification (germline): Uncertain significance (1 of 4 stars; one submission).

gnomAD v4.1: 10 of 1,613,228 alleles (0.00062%); highest among the groups gnomAD compares: African/African-American, 0.011%; no homozygotes.

Submission:

Labcorp Genetics (formerly Invitae), Labcorp
Classification: Uncertain significance. Last evaluated: 2025-03-25. Review status: criteria provided, single submitter. Criteria: Invitae Variant Classification Sherloc (09022015). Collection method: clinical testing. Allele origin: germline.
Comment: This sequence change replaces lysine, which is basic and polar, with glutamine, which is neutral and polar, at codon 1533 of the TOP2B protein (p.Lys1533Gln). This variant is present in population databases (no rsID available, gnomAD 0.008%). This variant has not been reported in the literature in individuals affected with TOP2B-related conditions. An algorithm developed to predict the effect of missense changes on protein structure and function (PolyPhen-2) suggests that this variant is likely to be tolerated. In summary, the available evidence is currently insufficient to determine the role of this variant in disease. Therefore, it has been classified as a Variant of Uncertain Significance.

NM_001330700.2(TOP2B):c.4612A>C (p.Lys1538Gln)

Gene: TOP2B (DNA topoisomerase II beta; minus strand). Cytogenetic location: 3p24.2.
Variant type: single nucleotide variant.
Coding change: c.4612A>C on transcript NM_001330700.2 (MANE Select); coding-DNA position 4612, A replaced by C.
Protein change: p.Lys1538Gln; replaces lysine 1538 with glutamine.
Molecular consequence: missense variant.
Genome position (GRCh38, 1-based): chr3:25,601,103, T>G on the plus strand (A>C on the coding strand, the complement: TOP2B is on the minus strand). VCF-style: chr3-25601103-T-G. GRCh37 (hg19) VCF-style: chr3-25642594-T-G.
Other names: c.4597A>C, p.Lys1533Gln (NM_001068.3); short protein forms K1538Q, K1533Q.
Identifiers: ClinVar variation 4693119 (VCV004693119.1).